The following is an entry in ClinVar:

ClinVar aggregate classification (germline): Conflicting classifications of pathogenicity. Review status: criteria provided, conflicting classifications (1 of 4 stars). 6 submissions from 6 submitters: Uncertain significance (2); Benign (1); Likely benign (1). 2 of the submissions do not count toward it. Last evaluated 2025-02-16.

Conditions:
ATXN1-related disorder. Also called: ATXN1-related condition.

Submissions (6):

Laboratory of Genetics, Children's Clinical University Hospital Latvia
Classification: Benign. Last evaluated: 2025-02-16. Review status: criteria provided, single submitter. Criteria: ACMG Guidelines, 2015. Collection method: clinical testing. Allele origin: germline. Affected: yes.

Blueprint Genetics
Classification: Likely benign. Last evaluated: 2024-11-26. Review status: criteria provided, single submitter. Criteria: ACMG Guidelines, 2015. Collection method: clinical testing. Allele origin: germline.

Genetic Services Laboratory, University of Chicago
Classification: Uncertain significance. Last evaluated: 2014-06-27. Review status: criteria provided, single submitter. Criteria: ACMG Guidelines, 2015. Collection method: clinical testing. Allele origin: germline.

Breakthrough Genomics
Classification: Uncertain significance. Review status: criteria provided, single submitter. Criteria: ACMG Guidelines, 2015. Collection method: not provided. Allele origin: germline. Inheritance: Autosomal dominant inheritance. Affected: yes.

PreventionGenetics, part of Exact Sciences
Classification: Likely benign for ATXN1-related condition. Last evaluated: 2020-07-02. Review status: no assertion criteria provided. Collection method: clinical testing. Allele origin: germline. Not counted in ClinVar's aggregate classification.
Comment: This variant is classified as likely benign based on ACMG/AMP sequence variant interpretation guidelines (Richards et al. 2015 PMID: 25741868, with internal and published modifications).

Department of Pathology and Laboratory Medicine, Sinai Health System
Classification: Likely benign. Review status: no assertion criteria provided. Collection method: clinical testing. Allele origin: unknown. Affected: yes. Study: The Canadian Open Genetics Repository (COGR). Not counted in ClinVar's aggregate classification.
Comment: The ATXN1 p.Gln208del variant was not identified in the literature but was identified in dbSNP (ID: rs797045409) with cliinical significance as "With uncertain significance allele", Cosmic, LOVD 3.0 and ClinVar (classified as a VUS by the University of Chicago). The variant was not identified in the following control databases: the 1000 Genomes Project, the NHLBI GO Exome Sequencing Project, the Exome Aggregation Consortium (August 8th 2016), or the Genome Aggregation Database (Feb 27, 2017). The variant occurs outside of the splicing consensus sequence and in silico or computational prediction software programs (SpliceSiteFinder, MaxEntScan, NNSPLICE, GeneSplicer) do not predict a difference in splicing. MutationTaster predicts the variant to be a polymorphism. This variant is an in-frame deletion of CAG resulting in the removal of a Glutamine residue at codon 208; this deletion occurs within the CAG repeat region known to cause spinocerebellar ataxia type 1. As this variant is still within the normal repeat range, it is unlikely to have any damaging effect. In summary, based on the above information the clinical significance of this variant cannot be determined with certainty at this time although we would lead towards a more benign role for this variant. This variant is classified as likely benign.

NM_001128164.2(ATXN1):c.588GCA[12] (p.Gln208del)

Genes: ATXN1 (ataxin 1; minus strand), LOC108663993 (ataxin 1 repeat instability region; plus strand). Cytogenetic location: 6p22.3.
Variant type: Microsatellite.
Coding change: c.588GCA[12] on transcript NM_001128164.2 (MANE Select); 12 copies in a row of the 3-base unit GCA starting at c.588; the reference has 13 copies in a row; one copy, 3 bases deleted.
Protein change: p.Gln208del; deletes glutamine 208.
Molecular consequence: inframe deletion. On other transcripts: no sequence alteration (1).
Genome position (GRCh38, 1-based): chr6:16,327,685-16,327,687, TGC deleted on the plus strand (GCA on the coding strand, the reverse complement: ATXN1 is on the minus strand); deleting any 3 consecutive bases within chr6:16,327,685-16,327,724 gives the same sequence; the position shown is the placement nearest the transcript's 3' end. VCF-style (leftmost placement, unchanged base first): chr6-16327684-ATGC-A. GRCh37 (hg19) VCF-style: chr6-16327915-ATGC-A.
Other names: c.624_626delGCA (NM_000332.3); c.624_626del (NM_000332.3); c.588GCA[12], p.Gln208del (NM_000332.4); c.*1GCA[12], p.Ter186= (NM_001357857.2); short protein forms Q208del.
Identifiers: ClinVar variation 210503 (VCV000210503.15), dbSNP rs193922926, ClinGen allele CA209026.